The following is an entry in ClinVar:

NM_001854.4(COL11A1):c.1696G>A (p.Val566Ile)

Gene: COL11A1 (collagen type XI alpha 1 chain; minus strand). Cytogenetic location: 1p21.1.
Variant type: single nucleotide variant.
Coding change: c.1696G>A on transcript NM_001854.4 (MANE Select); coding-DNA position 1696, G replaced by A.
Protein change: p.Val566Ile; replaces valine 566 with isoleucine.
Molecular consequence: missense variant. On other transcripts: non-coding transcript variant (1).
Genome position (GRCh38, 1-based): chr1:103,006,303, C>T on the plus strand (G>A on the coding strand, the complement: COL11A1 is on the minus strand). VCF-style: chr1-103006303-C-T. GRCh37 (hg19) VCF-style: chr1-103471859-C-T.
Other names: c.1348G>A, p.Val450Ile (NM_001168249.1, NM_080630.4); c.1579G>A, p.Val527Ile (NM_001190709.2); c.1732G>A, p.Val578Ile (NM_080629.3); c.1696G>A (NM_001854.3); short protein forms V450I, V527I, V578I, V566I.
Identifiers: ClinVar variation 1941098 (VCV001941098.9), dbSNP rs1251543692, ClinGen allele CA341175189.

ClinVar aggregate classification (germline): Conflicting classifications of pathogenicity. Review status: criteria provided, conflicting classifications (1 of 4 stars). 4 submissions from 4 submitters: Uncertain significance (2); Benign (2). Last evaluated 2026-05-21.

Allele frequency attached by ClinVar (database versions not stated): gnomAD exomes 0.00001; gnomAD 0.00001; TOPMed 0.00002.
gnomAD v4.1: 8 of 1,609,294 alleles (0.0005%); highest among the groups gnomAD compares: Non-Finnish European, 0.00068%; 1 homozygote.

Submissions (4):

Women's Health and Genetics/Laboratory Corporation of America, LabCorp
Classification: Uncertain significance. Last evaluated: 2026-05-21. Review status: criteria provided, single submitter. Criteria: LabCorp Variant Classification Summary - May 2015. Collection method: clinical testing. Allele origin: germline.
Comment: Variant summary: COL11A1 c.1696G>A (p.Val566Ile) results in a conservative amino acid change in the encoded protein sequence. Algorithms developed to predict the effect of missense changes on protein structure and function are either unavailable or do not agree on the potential impact of this missense change. The variant allele was found at a frequency of 4e-06 in 247402 control chromosomes. The available data on variant occurrences in the general population are insufficient to allow any conclusion about variant significance. To our knowledge, no occurrence of c.1696G>A in individuals affected with COL11A1-related conditions and no experimental evidence demonstrating its impact on protein function have been reported. ClinVar contains an entry for this variant (Variation ID: 1941098). Based on the evidence outlined above, the variant was classified as uncertain significance.

GeneDx
Classification: Uncertain significance. Last evaluated: 2024-04-19. Review status: criteria provided, single submitter. Criteria: GeneDx Variant Classification Process June 2021. Collection method: clinical testing. Allele origin: germline. Affected: yes.
Comment: Not observed at significant frequency in large population cohorts (gnomAD); In silico analysis indicates that this missense variant does not alter protein structure/function; Has not been previously published as pathogenic or benign to our knowledge

Labcorp Genetics (formerly Invitae), Labcorp
Classification: Benign. Last evaluated: 2023-01-11. Review status: criteria provided, single submitter. Criteria: Invitae Variant Classification Sherloc (09022015). Collection method: clinical testing. Allele origin: germline.

Breakthrough Genomics
Classification: Benign. Review status: criteria provided, single submitter. Criteria: ACMG Guidelines, 2015. Collection method: not provided. Allele origin: germline. Inheritance: Autosomal recessive inheritance. Affected: yes.